The following is an entry in ClinVar:

NM_000245.4(MET):c.647T>C (p.Val216Ala)

Gene: MET (MET proto-oncogene, receptor tyrosine kinase; plus strand). Cytogenetic location: 7q31.2.
Variant type: single nucleotide variant.
Coding change: c.647T>C on transcript NM_000245.4 (MANE Select); coding-DNA position 647, T replaced by C.
Protein change: p.Val216Ala; replaces valine 216 with alanine.
Molecular consequence: missense variant. On other transcripts: intron variant (1).
Genome position (GRCh38, 1-based): chr7:116,699,731, T>C. VCF-style: chr7-116699731-T-C. GRCh37 (hg19) VCF-style: chr7-116339785-T-C.
Other names: c.647T>C, p.Val216Ala (NM_001127500.3, NM_001324401.3); c.-91+27154T>C (NM_001324402.2); short protein forms V216A.
Identifiers: ClinVar variation 646721 (VCV000646721.12), dbSNP rs1396083482, ClinGen allele CA368969534.

ClinVar aggregate classification (germline): Uncertain significance. Review status: criteria provided, multiple submitters, no conflicts (2 of 4 stars). 2 submissions from 2 submitters: Uncertain significance (2). Last evaluated 2022-12-22.

Conditions:
Hereditary cancer-predisposing syndrome. Also called: Hereditary Cancer Syndrome; Tumor predisposition; Hereditary neoplastic syndrome; Neoplastic Syndromes, Hereditary. Identifiers: Orphanet 140162, MedGen C0027672, MeSH D009386, MONDO:0015356.
Renal cell carcinoma. Identifiers: Orphanet 217071, MedGen C0007134, MeSH D002292, MONDO:0005086, HP:0005584.

Allele frequency attached by ClinVar (database versions not stated): gnomAD exomes below 0.00001.
gnomAD v4.1: 2 of 1,614,106 alleles (0.00012%); highest among the groups gnomAD compares: Non-Finnish European, 0.00017%; no homozygotes.

Submissions (2):

Ambry Genetics
Classification: Uncertain significance for Hereditary cancer-predisposing syndrome. Last evaluated: 2022-12-22. Review status: criteria provided, single submitter. Criteria: Ambry Variant Classification Scheme 2023. Collection method: clinical testing. Allele origin: germline.
Comment: The p.V216A variant (also known as c.647T>C), located in coding exon 1 of the MET gene, results from a T to C substitution at nucleotide position 647. The valine at codon 216 is replaced by alanine, an amino acid with similar properties. This amino acid position is well conserved in available vertebrate species. In addition, this alteration is predicted to be tolerated by in silico analysis. Since supporting evidence is limited at this time, the clinical significance of this alteration remains unclear.

Labcorp Genetics (formerly Invitae), Labcorp
Classification: Uncertain significance for Renal cell carcinoma. Last evaluated: 2018-11-29. Review status: criteria provided, single submitter. Criteria: Invitae Variant Classification Sherloc (09022015). Collection method: clinical testing. Allele origin: germline.
Comment: Algorithms developed to predict the effect of missense changes on protein structure and function are either unavailable or do not agree on the potential impact of this missense change (SIFT: "Deleterious"; PolyPhen-2: "Probably Damaging"; Align-GVGD: "Class C0"). This variant has not been reported in the literature in individuals with MET-related conditions. In summary, the available evidence is currently insufficient to determine the role of this variant in disease. Therefore, it has been classified as a Variant of Uncertain Significance. This sequence change replaces valine with alanine at codon 216 of the MET protein (p.Val216Ala). The valine residue is moderately conserved and there is a small physicochemical difference between valine and alanine. This variant is not present in population databases (ExAC no frequency).